The following is an entry in ClinVar:

NM_002543.4(OLR1):c.565-73C>T

Gene: OLR1 (oxidized low density lipoprotein receptor 1; minus strand). Cytogenetic location: 12p13.2.
Variant type: single nucleotide variant.
Coding change: c.565-73C>T on transcript NM_002543.4 (MANE Select); 73 bases into the intron before coding-DNA position 565, C replaced by T.
Molecular consequence: intron variant.
Genome position (GRCh38, 1-based): chr12:10,160,535, G>A on the plus strand (C>T on the coding strand, the complement: OLR1 is on the minus strand). VCF-style: chr12-10160535-G-A. GRCh37 (hg19) VCF-style: chr12-10313134-G-A.
Other names: c.425-73C>T (NM_001172632.2); c.564+251C>T (NM_001172633.2).
Identifiers: ClinVar variation 1227465 (VCV001227465.4), dbSNP rs3736234, ClinGen allele CA13682014.

ClinVar aggregate classification (germline): Benign. Review status: criteria provided, multiple submitters, no conflicts (2 of 4 stars). 2 submissions from 2 submitters: Benign (2). Last evaluated 2021-02-24.

Allele frequency attached by ClinVar (database versions not stated): 1000 Genomes Project 0.31889; 1000 Genomes Project 30x 0.32339; TOPMed 0.39884; gnomAD 0.40103 and 0.40415; gnomAD exomes 0.45222.
gnomAD v4.1: 552,088 of 1,238,012 alleles (45%); highest among the groups gnomAD compares: Admixed American, 52%; 129,541 homozygotes.

Submissions (2):

GeneDx
Classification: Benign. Last evaluated: 2021-02-24. Review status: criteria provided, single submitter. Criteria: GeneDx Variant Classification Process June 2021. Collection method: clinical testing. Allele origin: germline. Affected: yes.
Comment: This variant is associated with the following publications: (PMID: 25904137)

Breakthrough Genomics
Classification: Benign. Review status: criteria provided, single submitter. Criteria: ACMG Guidelines, 2015. Collection method: not provided. Allele origin: germline. Inheritance: Unknown mechanism. Affected: yes.